The following is an entry in ClinVar:

ClinVar aggregate classification (germline): Likely pathogenic (1 of 4 stars; one submission).

Submission:

CeGaT Center for Human Genetics Tuebingen
Classification: Likely pathogenic. Last evaluated: 2026-09-01. Review status: criteria provided, single submitter. Criteria: CeGaT Center For Human Genetics Tuebingen Variant Classification Criteria Version 2. Collection method: clinical testing. Allele origin: germline. Affected: yes. Observed: 1 variant allele.
Comment: TUBA1A: PM2, PS2:Moderate, PP2, PP3, PS4:Supporting

NM_006009.4(TUBA1A):c.1030G>A (p.Val344Met)

Gene: TUBA1A (tubulin alpha 1a; minus strand). Cytogenetic location: 12q13.12.
Variant type: single nucleotide variant.
Coding change: c.1030G>A on transcript NM_006009.4 (MANE Select); coding-DNA position 1030, G replaced by A.
Protein change: p.Val344Met; replaces valine 344 with methionine.
Molecular consequence: missense variant.
Genome position (GRCh38, 1-based): chr12:49,185,336, C>T on the plus strand (G>A on the coding strand, the complement: TUBA1A is on the minus strand). VCF-style: chr12-49185336-C-T. GRCh37 (hg19) VCF-style: chr12-49579119-C-T.
Other names: c.1030G>A, p.Val344Met (NM_001270399.2); c.925G>A, p.Val309Met (NM_001270400.2); short protein forms V309M, V344M.
Identifiers: ClinVar variation 5040786 (VCV005040786.1).